The following is an entry in ClinVar:

ClinVar aggregate classification (germline): Uncertain significance (1 of 4 stars; one submission).

Conditions:
Oligodontia-cancer predisposition syndrome. Also called: TOOTH AGENESIS-COLORECTAL CANCER SYNDROME. Identifiers: Orphanet 300576, MedGen C1837750, MONDO:0012075, OMIM 608615. Disease mechanism: loss of function.

Submission:

Labcorp Genetics (formerly Invitae), Labcorp
Classification: Uncertain significance for Oligodontia-cancer predisposition syndrome. Last evaluated: 2025-10-13. Review status: criteria provided, single submitter. Criteria: Invitae Variant Classification Sherloc (09022015). Collection method: clinical testing. Allele origin: germline.
Comment: This sequence change replaces glycine, which is neutral and non-polar, with aspartic acid, which is acidic and polar, at codon 585 of the AXIN2 protein (p.Gly585Asp). This variant is not present in population databases (gnomAD no frequency). This variant has not been reported in the literature in individuals affected with AXIN2-related conditions. Invitae Evidence Modeling of protein sequence and biophysical properties (such as structural, functional, and spatial information, amino acid conservation, physicochemical variation, residue mobility, and thermodynamic stability) indicates that this missense variant is not expected to disrupt AXIN2 protein function with a negative predictive value of 80%. In summary, the available evidence is currently insufficient to determine the role of this variant in disease. Therefore, it has been classified as a Variant of Uncertain Significance.

NM_004655.4(AXIN2):c.1754G>A (p.Gly585Asp)

Gene: AXIN2 (axin 2; minus strand). Cytogenetic location: 17q24.1.
Variant type: single nucleotide variant.
Coding change: c.1754G>A on transcript NM_004655.4 (MANE Select); coding-DNA position 1754, G replaced by A.
Protein change: p.Gly585Asp; replaces glycine 585 with aspartic acid.
Molecular consequence: missense variant. On other transcripts: intron variant (1).
Genome position (GRCh38, 1-based): chr17:65,537,022, C>T on the plus strand (G>A on the coding strand, the complement: AXIN2 is on the minus strand). VCF-style: chr17-65537022-C-T. GRCh37 (hg19) VCF-style: chr17-63533140-C-T.
Other names: c.1712+302G>A (NM_001363813.1); short protein forms G585D.
Identifiers: ClinVar variation 4737080 (VCV004737080.1).